The following is an entry in ClinVar:

ClinVar aggregate classification (germline): Uncertain significance. Review status: criteria provided, multiple submitters, no conflicts (2 of 4 stars). 4 submissions from 4 submitters: Uncertain significance (4). Last evaluated 2022-11-10.

Conditions:
Inborn genetic diseases. Identifiers: MedGen C0950123, MeSH D030342.
Hermansky-Pudlak syndrome 8 (HPS8). Identifiers: Orphanet 79430, MedGen C3888026, MONDO:0013560, OMIM 614077.

Allele frequency attached by ClinVar (database versions not stated): gnomAD exomes 0.00001.
gnomAD v4.1: 6 of 1,473,546 alleles (0.00041%); highest among the groups gnomAD compares: Admixed American, 0.0048%; no homozygotes.

Submissions (4):

Blueprint Genetics
Classification: Uncertain significance. Last evaluated: 2022-11-10. Review status: criteria provided, single submitter. Criteria: ACMG Guidelines, 2015. Collection method: clinical testing. Allele origin: germline.

Ambry Genetics
Classification: Uncertain significance for Inborn genetic diseases. Last evaluated: 2022-09-22. Review status: criteria provided, single submitter. Criteria: Ambry Variant Classification Scheme 2023. Collection method: clinical testing. Allele origin: germline.

Labcorp Genetics (formerly Invitae), Labcorp
Classification: Uncertain significance. Last evaluated: 2022-04-23. Review status: criteria provided, single submitter. Criteria: Invitae Variant Classification Sherloc (09022015). Collection method: clinical testing. Allele origin: germline.
Comment: This sequence change replaces arginine, which is basic and polar, with leucine, which is neutral and non-polar, at codon 112 of the BLOC1S3 protein (p.Arg112Leu). This variant is present in population databases (no rsID available, gnomAD 0.007%). This variant has not been reported in the literature in individuals affected with BLOC1S3-related conditions. Algorithms developed to predict the effect of missense changes on protein structure and function (SIFT, PolyPhen-2, Align-GVGD) all suggest that this variant is likely to be disruptive. In summary, the available evidence is currently insufficient to determine the role of this variant in disease. Therefore, it has been classified as a Variant of Uncertain Significance.

Fulgent Genetics
Classification: Uncertain significance for Hermansky-Pudlak syndrome 8. Last evaluated: 2022-02-25. Review status: criteria provided, single submitter. Criteria: ACMG Guidelines, 2015. Collection method: clinical testing. Allele origin: unknown.

NM_212550.5(BLOC1S3):c.335G>T (p.Arg112Leu)

Gene: BLOC1S3 (biogenesis of lysosomal organelles complex 1 subunit 3; plus strand). Cytogenetic location: 19q13.32.
Variant type: single nucleotide variant.
Coding change: c.335G>T on transcript NM_212550.5 (MANE Select); coding-DNA position 335, G replaced by T.
Protein change: p.Arg112Leu; replaces arginine 112 with leucine.
Molecular consequence: missense variant.
Genome position (GRCh38, 1-based): chr19:45,179,631, G>T. VCF-style: chr19-45179631-G-T. GRCh37 (hg19) VCF-style: chr19-45682889-G-T.
Other names: c.335G>T (NM_212550.3); short protein forms R112L.
Identifiers: ClinVar variation 1379818 (VCV001379818.8), dbSNP rs1021933564, ClinGen allele CA406344606.